The following is an entry in ClinVar:

ClinVar aggregate classification (germline): Likely benign (1 of 4 stars; one submission).

Conditions:
SEPN1-related disorder. Also called: SEPN1-Related Disorders. Identifiers: MedGen CN239420.

Allele frequency attached by ClinVar (database versions not stated): 1000 Genomes Project 0.00080; 1000 Genomes Project 30x 0.00094; TOPMed 0.00119.
gnomAD v4.1: 212 of 495,444 alleles (0.043%); highest among the groups gnomAD compares: African/African-American, 0.31%; 2 homozygotes.

Submission:

Illumina Laboratory Services, Illumina
Classification: Likely benign for SEPN1-Related Disorders. Last evaluated: 2018-01-13. Review status: criteria provided, single submitter. Criteria: ICSL Variant Classification Criteria 13 December 2019. Collection method: clinical testing. Allele origin: germline.
Comment: This variant was observed in the ICSL laboratory as part of a predisposition screen in an ostensibly healthy population. It had not been previously curated by ICSL or reported in the Human Gene Mutation Database (HGMD: prior to June 1st, 2018), and was therefore a candidate for classification through an automated scoring system. Utilizing variant allele frequency, disease prevalence and penetrance estimates, and inheritance mode, an automated score was calculated to assess if this variant is too frequent to cause the disease. Based on the score and internal cut-off values, a variant classified as likely benign is not then subjected to further curation. The score for this variant resulted in a classification of likely benign for this disease.

NM_206926.2(SELENON):c.*267C>A

Gene: SELENON (selenoprotein N; plus strand). Cytogenetic location: 1p36.11.
Variant type: single nucleotide variant.
Coding change: c.*267C>A on transcript NM_206926.2 (MANE Select); 267 bases downstream of the stop codon, C replaced by A.
Molecular consequence: 3 prime UTR variant.
Genome position (GRCh38, 1-based): chr1:25,815,985, C>A. VCF-style: chr1-25815985-C-A. GRCh37 (hg19) VCF-style: chr1-26142476-C-A.
Other names: c.*267C>A (NM_020451.3).
Identifiers: ClinVar variation 297035 (VCV000297035.5), dbSNP rs184807941, ClinGen allele CA10610882.